The following is an entry in ClinVar:

NM_007194.4(CHEK2):c.215A>G (p.Tyr72Cys)

Gene: CHEK2 (checkpoint kinase 2; minus strand). Cytogenetic location: 22q12.1.
Variant type: single nucleotide variant.
Coding change: c.215A>G on transcript NM_007194.4 (MANE Select); coding-DNA position 215, A replaced by G.
Protein change: p.Tyr72Cys; replaces tyrosine 72 with cysteine.
Molecular consequence: missense variant.
Genome position (GRCh38, 1-based): chr22:28,734,507, T>C on the plus strand (A>G on the coding strand, the complement: CHEK2 is on the minus strand). VCF-style: chr22-28734507-T-C. GRCh37 (hg19) VCF-style: chr22-29130495-T-C.
Other names: c.215A>G, p.Tyr72Cys (NM_001005735.3, NM_001349956.3, NM_145862.3); c.-563A>G (NM_001257387.3); short protein forms Y72C.
Identifiers: ClinVar variation 233790 (VCV000233790.26), dbSNP rs769819013, ClinGen allele CA10168058.

ClinVar aggregate classification (germline): Conflicting classifications of pathogenicity. Review status: criteria provided, conflicting classifications (1 of 4 stars). 6 submissions from 6 submitters: Uncertain significance (5); Likely benign (1). Last evaluated 2025-10-23.

Conditions:
Familial cancer of breast. Also called: BREAST CANCER, FAMILIAL; hereditary breast carcinoma; Hereditary breast cancer. Identifiers: Orphanet 227535, MedGen C0346153, MONDO:0016419, OMIM 114480. Disease mechanism: loss of function.
Hereditary cancer-predisposing syndrome. Also called: Neoplastic Syndromes, Hereditary; Tumor predisposition; Hereditary Cancer Syndrome; Hereditary neoplastic syndrome. Identifiers: Orphanet 140162, MedGen C0027672, MeSH D009386, MONDO:0015356.

Allele frequency attached by ClinVar (database versions not stated): gnomAD 0.00001; gnomAD exomes 0.00001; TOPMed 0.00001.
gnomAD v4.1: 8 of 1,613,876 alleles (0.0005%); highest among the groups gnomAD compares: Admixed American, 0.0067%; no homozygotes.

Submissions (6):

Labcorp Genetics (formerly Invitae), Labcorp
Classification: Uncertain significance for Familial cancer of breast. Last evaluated: 2025-10-23. Review status: criteria provided, single submitter. Criteria: Invitae Variant Classification Sherloc (09022015). Collection method: clinical testing. Allele origin: germline.
Comment: This sequence change replaces tyrosine, which is neutral and polar, with cysteine, which is neutral and slightly polar, at codon 72 of the CHEK2 protein (p.Tyr72Cys). This variant is present in population databases (rs769819013, gnomAD 0.009%). This variant has not been reported in the literature in individuals affected with CHEK2-related conditions. ClinVar contains an entry for this variant (Variation ID: 233790). An algorithm developed to predict the effect of missense changes on protein structure and function outputs the following: PolyPhen-2: "Benign". The cysteine amino acid residue is found in multiple mammalian species, which suggests that this missense change does not adversely affect protein function. Experimental studies have shown that this missense change does not substantially affect CHEK2 function (PMID: 36243179). In summary, the available evidence is currently insufficient to determine the role of this variant in disease. Therefore, it has been classified as a Variant of Uncertain Significance.

Quest Diagnostics Nichols Institute San Juan Capistrano
Classification: Uncertain significance. Last evaluated: 2025-10-01. Review status: criteria provided, single submitter. Criteria: Quest Diagnostics criteria. Collection method: clinical testing. Allele origin: unknown.
Comment: The CHEK2 c.215A>G (p.Tyr72Cys) variant has been reported in the published literature in individuals with breast cancer (PMID: 26420498 (2015), 29522266 (2018)), 33471991 (2021), see also LOVD, 37449874 (2023)), and reportedly unaffected individuals (PMID: 30287823 (2018)), 33471991 (2021), see also LOVD, 36243179 (2022), 37449874 (2023)). A functional study demonstrated that this variant retained protein function, however additional studies are needed to determine the global effect of this variant on protein function (PMID: 37449874 (2023)). The frequency of this variant in the general population (Genome Aggregation Database) is uninformative in the assessment of its pathogenicity. Analysis of this variant using bioinformatics tools for the prediction of the effect of amino acid changes on protein structure and function yielded predictions that this variant is benign. Based on the available information, we are unable to determine the clinical significance of this variant.

Color Diagnostics, LLC DBA Color Health
Classification: Uncertain significance for Hereditary cancer-predisposing syndrome. Last evaluated: 2023-01-24. Review status: criteria provided, single submitter. Criteria: ACMG Guidelines, 2015. Collection method: clinical testing. Allele origin: germline.
Comment: This missense variant replaces tyrosine with cysteine at codon 72 of the CHEK2 protein. Computational prediction suggests that this variant may not impact protein structure and function (internally defined REVEL score threshold <= 0.5, PMID: 27666373). To our knowledge, functional studies have not been reported for this variant. In a large case-control study, this variant has shown inconclusive association with breast cancer (2/60464 cases, 1/53460 controls, OR=1.768, 95%CI 0.16 to 19.503; PMID 33471991). This variant has been identified in 5/251474 chromosomes in the general population by the Genome Aggregation Database (gnomAD). The available evidence is insufficient to determine the role of this variant in disease conclusively. Therefore, this variant is classified as a Variant of Uncertain Significance.

Women's Health and Genetics/Laboratory Corporation of America, LabCorp
Classification: Uncertain significance. Last evaluated: 2021-05-10. Review status: criteria provided, single submitter. Criteria: LabCorp Variant Classification Summary - May 2015. Collection method: clinical testing. Allele origin: germline.
Comment: Variant summary: CHEK2 c.215A>G (p.Tyr72Cys) results in a non-conservative amino acid change in the encoded protein sequence. Four of five in-silico tools predict a benign effect of the variant on protein function. The variant allele was found at a frequency of 2.2e-05 in 273956 control chromosomes (gnomAD and publication data). The available data on variant occurrences in the general population are insufficient to allow any conclusion about variant significance. To our knowledge, no occurrence of c.215A>G in individuals affected with Hereditary Breast And Ovarian Cancer Syndrome and no experimental evidence demonstrating its impact on protein function have been reported. Four ClinVar submitters (evaluation after 2014) cite the variant as uncertain significance (n=3) and likely benign (n=1). Based on the evidence outlined above, the variant was classified as uncertain significance.

GeneDx
Classification: Uncertain significance. Last evaluated: 2020-10-08. Review status: criteria provided, single submitter. Criteria: GeneDx Variant Classification Process June 2021. Collection method: clinical testing. Allele origin: germline. Affected: yes.
Comment: Not observed at a significant frequency in large population cohorts (Lek 2016); In silico analysis, which includes protein predictors and evolutionary conservation, supports a deleterious effect; Observed in individuals with a personal or family history of breast cancer and also in unaffected controls in published literature (Hauke 2018, Momozawa 2018); This variant is associated with the following publications: (PMID: 30287823, 29522266)

Ambry Genetics
Classification: Likely benign for Hereditary cancer-predisposing syndrome. Last evaluated: 2018-08-06. Review status: criteria provided, single submitter. Criteria: Ambry Variant Classification Scheme 2023. Collection method: clinical testing. Allele origin: germline.

Literature cited by the submitters: PubMed 36243179 (cited by Labcorp Genetics (formerly Invitae), Labcorp and Quest Diagnostics Nichols Institute San Juan Capistrano); PubMed 33471991 (cited by Quest Diagnostics Nichols Institute San Juan Capistrano); PubMed 30287823 (cited by Quest Diagnostics Nichols Institute San Juan Capistrano and Women's Health and Genetics/Laboratory Corporation of America, LabCorp); PubMed 29522266 (cited by Quest Diagnostics Nichols Institute San Juan Capistrano); PubMed 37449874 (cited by Quest Diagnostics Nichols Institute San Juan Capistrano); PubMed 26420498 (cited by Quest Diagnostics Nichols Institute San Juan Capistrano).